The following is an entry in ClinVar:

NM_001171.6(ABCC6):c.2901G>C (p.Trp967Cys)

Gene: ABCC6 (ATP binding cassette subfamily C member 6; minus strand). Cytogenetic location: 16p13.11.
Variant type: single nucleotide variant.
Coding change: c.2901G>C on transcript NM_001171.6 (MANE Select); coding-DNA position 2901, G replaced by C.
Protein change: p.Trp967Cys; replaces tryptophan 967 with cysteine.
Molecular consequence: missense variant. On other transcripts: non-coding transcript variant (1).
Genome position (GRCh38, 1-based): chr16:16,169,740, C>G on the plus strand (G>C on the coding strand, the complement: ABCC6 is on the minus strand). VCF-style: chr16-16169740-C-G. GRCh37 (hg19) VCF-style: chr16-16263597-C-G.
Other names: c.2559G>C, p.Trp853Cys (NM_001351800.1); short protein forms W853C, W967C.
Identifiers: ClinVar variation 1175889 (VCV001175889.37), dbSNP rs2152235595, ClinGen allele CA394884634.

ClinVar aggregate classification (germline): Conflicting classifications of pathogenicity. Review status: criteria provided, conflicting classifications (1 of 4 stars). 3 submissions from 3 submitters: Likely pathogenic (1); Uncertain significance (2). Last evaluated 2025-02-13.

Conditions:
Inborn genetic diseases. Identifiers: MedGen C0950123, MeSH D030342.
Autosomal recessive inherited pseudoxanthoma elasticum (PXE). Identifiers: Orphanet 758, MedGen CN032334, MONDO:0009925, OMIM 264800.

gnomAD v4.1: 6 of 1,607,820 alleles (0.00037%); highest among the groups gnomAD compares: Non-Finnish European, 0.00051%; no homozygotes.

Submissions (3):

Ambry Genetics
Classification: Uncertain significance for Inborn genetic diseases. Last evaluated: 2025-02-13. Review status: criteria provided, single submitter. Criteria: Ambry Variant Classification Scheme 2023. Collection method: clinical testing. Allele origin: germline.

Victorian Clinical Genetics Services, Murdoch Childrens Research Institute
Classification: Likely pathogenic for Autosomal recessive inherited pseudoxanthoma elasticum. Last evaluated: 2022-06-24. Review status: criteria provided, single submitter. Criteria: ACMG Guidelines, 2015. Collection method: clinical testing. Allele origin: germline. Inheritance: Autosomal recessive inheritance. Affected: yes.
Comment: Based on the classification scheme VCGS_Germline_v1.3.4, this variant is classified as Likely pathogenic. Following criteria are met: 0102 - Loss of function is a known mechanism of disease in this gene and is associated with generalized infantile arterial calcification 2 (MIM#614473), pseudoxanthoma elasticum (MIM#264800) and forme fruste pseudoxanthoma elasticum (MIM#177850). (I) 0106 - This gene is associated with autosomal recessive disease. OIder publications suggest dominant disease (OMIM). (I) 0115 - Variants in this gene are known to have variable expressivity. Intrafamilial variability with age-dependent severity has been well reported (PMID: 28102862). (I) 0200 - Variant is predicted to result in a missense amino acid change from tryptophan to cysteine. (I) 0251 - This variant is heterozygous. (I) 0301 - Variant is absent from gnomAD (both v2 and v3). (SP) 0501 - Missense variant consistently predicted to be damaging by multiple in silico tools or highly conserved with a major amino acid change. (SP) 0600 - Variant is located in the annotated ABC transmembrane type-1 2 domain (UniProt, DECIPHER). (I) 0710 - Another missense variant comparable to the one identified in this case has inconclusive previous evidence for pathogenicity. p.(Trp967Arg) has been regarded as a VUS in ClinVar. (I) 0809 - Previous evidence of pathogenicity for this variant is inconclusive. This variant has been reported as a VUS (ClinVar). (I) 0905 - No published segregation evidence has been identified for this variant. (I) 1007 - No published functional evidence has been identified for this variant. (I) 1102 - Strong phenotype match for this individual. (SP) 1201 - Heterozygous variant detected in trans with a second pathogenic heterozygous variant (NM_001171.5(ABCC6):c.3421C>T; p.(Arg1141*)) in a recessive disease. (I) Legend: (SP) - Supporting pathogenic, (I) - Information, (SB) - Supporting benign

CeGaT Center for Human Genetics Tuebingen
Classification: Uncertain significance. Last evaluated: 2021-04-01. Review status: criteria provided, single submitter. Criteria: CeGaT Center For Human Genetics Tuebingen Variant Classification Criteria Version 2. Collection method: clinical testing. Allele origin: germline. Affected: yes. Observed: 1 variant allele.

Literature cited by the submitters: PubMed 28102862 (cited by Victorian Clinical Genetics Services, Murdoch Childrens Research Institute).